The following is an entry in ClinVar:

ClinVar aggregate classification (germline): Benign/Likely benign. Review status: criteria provided, multiple submitters, no conflicts (2 of 4 stars). 4 submissions from 4 submitters: Benign (2); Likely benign (2). Last evaluated 2025-10-01.

Conditions:
Hereditary cancer-predisposing syndrome. Also called: Hereditary Cancer Syndrome; Neoplastic Syndromes, Hereditary; Tumor predisposition; Hereditary neoplastic syndrome. Identifiers: Orphanet 140162, MedGen C0027672, MeSH D009386, MONDO:0015356.
Tuberous sclerosis 2 (TSC2). Identifiers: Orphanet 805, MedGen C1860707, MONDO:0013199, OMIM 613254.

Allele frequency attached by ClinVar (database versions not stated): gnomAD exomes below 0.00001; ExAC 0.00001; gnomAD 0.00001 and 0.00002; TOPMed 0.00001; 1000 Genomes Project 30x 0.00016; 1000 Genomes Project 0.00020.
gnomAD v4.1: 5 of 1,612,926 alleles (0.00031%); highest among the groups gnomAD compares: East Asian, 0.0045%; no homozygotes.

Submissions (4):

Labcorp Genetics (formerly Invitae), Labcorp
Classification: Likely benign for Tuberous sclerosis 2. Last evaluated: 2025-10-01. Review status: criteria provided, single submitter. Criteria: Invitae Variant Classification Sherloc (09022015). Collection method: clinical testing. Allele origin: germline.

Myriad Genetics, Inc.
Classification: Benign for Tuberous sclerosis 2. Last evaluated: 2025-06-04. Review status: criteria provided, single submitter. Criteria: Myriad Autosomal Dominant, Autosomal Recessive and X-Linked Classification Criteria (2023). Collection method: clinical testing. Allele origin: unknown.
Comment: This variant is considered benign. This variant is a silent/synonymous amino acid change and it is not expected to impact splicing.

Genome-Nilou Lab
Classification: Benign for Tuberous sclerosis 2. Last evaluated: 2021-11-07. Review status: criteria provided, single submitter. Criteria: ACMG Guidelines, 2015. Collection method: clinical testing. Allele origin: germline. Affected: no.

Ambry Genetics
Classification: Likely benign for Hereditary cancer-predisposing syndrome. Last evaluated: 2015-05-18. Review status: criteria provided, single submitter. Criteria: Ambry Variant Classification Scheme 2023. Collection method: clinical testing. Allele origin: germline.

NM_000548.5(TSC2):c.4779C>T (p.Tyr1593=)

Gene: TSC2 (TSC complex subunit 2; plus strand). Cytogenetic location: 16p13.3.
Variant type: single nucleotide variant.
Coding change: c.4779C>T on transcript NM_000548.5 (MANE Select); coding-DNA position 4779, C replaced by T.
Protein change: p.Tyr1593=; no amino-acid change (tyrosine 1593 retained).
Molecular consequence: synonymous variant.
Genome position (GRCh38, 1-based): chr16:2,086,309, C>T. VCF-style: chr16-2086309-C-T. GRCh37 (hg19) VCF-style: chr16-2136310-C-T.
Other names: c.4578C>T, p.Tyr1526= (NM_001077183.3); c.4710C>T, p.Tyr1570= (NM_001114382.3); c.4470C>T, p.Tyr1490= (NM_001318827.2); c.4434C>T, p.Tyr1478= (NM_001318829.2); c.4047C>T, p.Tyr1349= (NM_001318831.2); c.4611C>T, p.Tyr1537= (NM_001318832.2); c.4581C>T, p.Tyr1527= (NM_001363528.2); c.4647C>T, p.Tyr1549= (NM_001370404.1); and 1 more.
Identifiers: ClinVar variation 231786 (VCV000231786.19), dbSNP rs45517368, ClinGen allele CA052441.
Genomic context (GRCh38, chr16:2,086,309, plus strand): 5'-GTTCCTGACGGGCCTGGGCCGGCTCATCGAGCTGAAGGACTGCCAGCCGGACAAGGTGTA[C>T]CTGGGAGGCCTGGACGTGTGTGGTGAGGACGGCCAGTTCACCTACTGCTGGCACGATGAC-3'
Protein context (NP_000539.2, residues 1583-1603): ELKDCQPDKV[Tyr1593=]LGGLDVCGED